The following is an entry in ClinVar:

NM_001166114.2(PNPLA6):c.2956G>A (p.Val986Ile)

Gene: PNPLA6 (patatin like domain 6, lysophospholipase; plus strand). Cytogenetic location: 19p13.2.
Variant type: single nucleotide variant.
Coding change: c.2956G>A on transcript NM_001166114.2 (MANE Select); coding-DNA position 2956, G replaced by A.
Protein change: p.Val986Ile; replaces valine 986 with isoleucine.
Molecular consequence: missense variant.
Genome position (GRCh38, 1-based): chr19:7,555,626, G>A. VCF-style: chr19-7555626-G-A. GRCh37 (hg19) VCF-style: chr19-7620512-G-A.
Other names: c.2986G>A, p.Val996Ile (NM_001166111.2); c.2761G>A, p.Val921Ile (NM_001166112.2); c.2842G>A, p.Val948Ile (NM_001166113.1, NM_006702.5); short protein forms V948I, V921I, V986I, V996I.
Identifiers: ClinVar variation 1392206 (VCV001392206.4), dbSNP rs1400699469, ClinGen allele CA403131288.
Genomic context (GRCh38, chr19:7,555,626, plus strand): 5'-GGTGGGGCCTAGCGGGTCACTGGGGCCCATTTTCCCGGCAGGGGCTGCTCGCACATCGGA[G>A]TACTAAAGGCATTAGAGGAGGCGGGGGTCCCCGTGGACCTGGTGGGCGGCACGTCCATTG-3'
Protein context (NP_001159586.1, residues 976-996): GGARGCSHIG[Val986Ile]LKALEEAGVP

ClinVar aggregate classification (germline): Uncertain significance (1 of 4 stars; one submission).

Conditions:
Hereditary spastic paraplegia 39 (SPG39). Also called: Spastic Paraplegia Type 39 (SPG39); SPASTIC PARAPLEGIA 39, AUTOSOMAL RECESSIVE. Identifiers: Orphanet 139480, MedGen C2677586, MONDO:0012787, OMIM 612020.

Allele frequency attached by ClinVar (database versions not stated): gnomAD 0.00001; gnomAD exomes 0.00001; TOPMed 0.00003.
gnomAD v4.1: 25 of 1,612,364 alleles (0.0016%); highest among the groups gnomAD compares: Middle Eastern, 0.04%; no homozygotes.

Submission:

Labcorp Genetics (formerly Invitae), Labcorp
Classification: Uncertain significance for Hereditary spastic paraplegia 39. Last evaluated: 2026-01-12. Review status: criteria provided, single submitter. Criteria: Invitae Variant Classification Sherloc (09022015). Collection method: clinical testing. Allele origin: germline.
Comment: This sequence change replaces valine, which is neutral and non-polar, with isoleucine, which is neutral and non-polar, at codon 948 of the PNPLA6 protein (p.Val948Ile). This variant is present in population databases (no rsID available, gnomAD 0.003%). This variant has not been reported in the literature in individuals affected with PNPLA6-related conditions. ClinVar contains an entry for this variant (Variation ID: 1392206). Invitae Evidence Modeling of protein sequence and biophysical properties (such as structural, functional, and spatial information, amino acid conservation, physicochemical variation, residue mobility, and thermodynamic stability) indicates that this missense variant is not expected to disrupt PNPLA6 protein function with a negative predictive value of 80%. In summary, the available evidence is currently insufficient to determine the role of this variant in disease. Therefore, it has been classified as a Variant of Uncertain Significance.